The following is an entry in ClinVar:

NM_000632.4(ITGAM):c.305T>C (p.Leu102Pro)

Genes: ITGAM (integrin subunit alpha M; plus strand), LOC126862331 (P300/CBP strongly-dependent group 1 enhancer GRCh37_chr16:31276375-31277574; plus strand). Cytogenetic location: 16p11.2.
Variant type: single nucleotide variant.
Coding change: c.305T>C on transcript NM_000632.4 (MANE Select); coding-DNA position 305, T replaced by C.
Protein change: p.Leu102Pro; replaces leucine 102 with proline.
Molecular consequence: missense variant.
Genome position (GRCh38, 1-based): chr16:31,265,877, T>C. VCF-style: chr16-31265877-T-C. GRCh37 (hg19) VCF-style: chr16-31277198-T-C.
Other names: c.305T>C, p.Leu102Pro (NM_001145808.2); short protein forms L102P.
Identifiers: ClinVar variation 3643429 (VCV003643429.2).

ClinVar aggregate classification (germline): Uncertain significance (1 of 4 stars; one submission).

Submission:

Labcorp Genetics (formerly Invitae), Labcorp
Classification: Uncertain significance. Last evaluated: 2024-02-26. Review status: criteria provided, single submitter. Criteria: Invitae Variant Classification Sherloc (09022015). Collection method: clinical testing. Allele origin: germline.
Comment: This sequence change replaces leucine, which is neutral and non-polar, with proline, which is neutral and non-polar, at codon 102 of the ITGAM protein (p.Leu102Pro). This variant is not present in population databases (gnomAD no frequency). This variant has not been reported in the literature in individuals affected with ITGAM-related conditions. An algorithm developed to predict the effect of missense changes on protein structure and function (PolyPhen-2) suggests that this variant is likely to be disruptive. In summary, the available evidence is currently insufficient to determine the role of this variant in disease. Therefore, it has been classified as a Variant of Uncertain Significance.